The following is an entry in ClinVar:

NM_001128205.2(SULF1):c.1838G>A (p.Arg613Gln)

Gene: SULF1 (sulfatase 1; plus strand). Cytogenetic location: 8q13.3.
Variant type: single nucleotide variant.
Coding change: c.1838G>A on transcript NM_001128205.2 (MANE Select); coding-DNA position 1838, G replaced by A.
Protein change: p.Arg613Gln; replaces arginine 613 with glutamine.
Molecular consequence: missense variant. On other transcripts: non-coding transcript variant (3).
Genome position (GRCh38, 1-based): chr8:69,624,185, G>A. VCF-style: chr8-69624185-G-A. GRCh37 (hg19) VCF-style: chr8-70536420-G-A.
Other names: c.1838G>A, p.Arg613Gln (NM_001128204.2, NM_001128206.2, NM_001412828.1 and 10 more transcripts); c.1709G>A, p.Arg570Gln (NM_001412832.1, NM_001412838.1, NM_001412839.1 and 1 more transcripts); c.1781G>A, p.Arg594Gln (NM_001412836.1, NM_001412837.1); c.1652G>A, p.Arg551Gln (NM_001412841.1, NM_001412842.1); c.1238G>A, p.Arg413Gln (NM_001412844.1, NM_001412845.1); c.47G>A, p.Arg16Gln (NM_001412846.1); short protein forms R413Q, R16Q, R570Q, R551Q, R594Q, R613Q.
Identifiers: ClinVar variation 1948577 (VCV001948577.5), dbSNP rs776730164, ClinGen allele CA4775981.
Genomic context (GRCh38, chr8:69,624,185, plus strand): 5'-GCAACAGGGGCAGGATGCTGGCAGATAGCAGCAACGCCGTGGGCCCACCTACCACTGTCC[G>A]AGTGACACACAAGTAAGAAAGCTTTATTTGTTCACTAGGGTTGAGTTCAGAATTACCACC-3'
Protein context (NP_001121677.1, residues 603-623): SNAVGPPTTV[Arg613Gln]VTHKCFILPN

ClinVar aggregate classification (germline): Uncertain significance (1 of 4 stars; one submission).

Allele frequency attached by ClinVar (database versions not stated): TOPMed 0.00001; ExAC 0.00002; gnomAD 0.00002.
gnomAD v4.1: 38 of 1,583,386 alleles (0.0024%); highest among the groups gnomAD compares: Middle Eastern, 0.084%; 1 homozygote.

Submission:

Labcorp Genetics (formerly Invitae), Labcorp
Classification: Uncertain significance. Last evaluated: 2024-10-08. Review status: criteria provided, single submitter. Criteria: Invitae Variant Classification Sherloc (09022015). Collection method: clinical testing. Allele origin: germline.
Comment: This sequence change replaces arginine, which is basic and polar, with glutamine, which is neutral and polar, at codon 613 of the SULF1 protein (p.Arg613Gln). This variant is present in population databases (rs776730164, gnomAD 0.003%). This variant has not been reported in the literature in individuals affected with SULF1-related conditions. ClinVar contains an entry for this variant (Variation ID: 1948577). An algorithm developed to predict the effect of missense changes on protein structure and function (PolyPhen-2) suggests that this variant is likely to be tolerated. In summary, the available evidence is currently insufficient to determine the role of this variant in disease. Therefore, it has been classified as a Variant of Uncertain Significance.